The following is an entry in ClinVar:

NM_002693.3(POLG):c.3482+2T>C

Gene: POLG (DNA polymerase gamma, catalytic subunit; minus strand). Cytogenetic location: 15q26.1.
Variant type: single nucleotide variant.
Coding change: c.3482+2T>C on transcript NM_002693.3 (MANE Select); the canonical splice donor site of the intron after coding-DNA position 3482, T replaced by C.
Molecular consequence: splice donor variant.
Genome position (GRCh38, 1-based): chr15:89,318,539, A>G on the plus strand (T>C on the coding strand, the complement: POLG is on the minus strand). VCF-style: chr15-89318539-A-G. GRCh37 (hg19) VCF-style: chr15-89861770-A-G.
Other names: c.3482+2T>C (NM_001126131.2).
Identifiers: ClinVar variation 1453904 (VCV001453904.13), dbSNP rs1466226819, ClinGen allele CA393749637.

ClinVar aggregate classification (germline): Pathogenic/Likely pathogenic. Review status: criteria provided, multiple submitters, no conflicts (2 of 4 stars). 5 submissions from 5 submitters: Pathogenic (2); Likely pathogenic (3). Last evaluated 2026-07-13.

Conditions:
Mitochondrial DNA depletion syndrome 4b. Also called: Mitochondrial Neurogastrointestinal Encephalopathy Disease, POLG-Related; MNGIE, POLG-RELATED. Identifiers: Orphanet 298, MedGen C3150914, MONDO:0013350, OMIM 613662.
Sensory ataxic neuropathy, dysarthria, and ophthalmoparesis (SANDO). Also called: Ataxia Neuropathy Spectrum (ANS); Sensory ataxic neuropathy-dysarthria-ophthalmoparesis syndrome; Epilepsy, progressive myoclonic, type 5; SENSORY ATAXIC NEUROPATHY WITH MITOCHONDRIAL DNA DELETIONS, AUTOSOMAL RECESSIVE. Identifiers: Orphanet 70595, MedGen C1843851, MONDO:0011835, OMIM 607459.
Progressive sclerosing poliodystrophy (MTDPS4A). Also called: ALPERS PROGRESSIVE INFANTILE POLIODYSTROPHY; Alpers Syndrome; ALPERS DIFFUSE DEGENERATION OF CEREBRAL GRAY MATTER WITH HEPATIC CIRRHOSIS; Alpers-Huttenlocher Syndrome; Mitochondrial DNA depletion syndrome 4A (Alpers type); NEURONAL DEGENERATION OF CHILDHOOD WITH LIVER DISEASE, PROGRESSIVE. Identifiers: Orphanet 726, MedGen C0205710, MONDO:0008758, OMIM 203700.
Progressive external ophthalmoplegia with mitochondrial DNA deletions, autosomal dominant 1 (PEOA1). Also called: Autosomal Dominant Progressive External Ophthalmoplegia (adPEO); PROGRESSIVE EXTERNAL OPHTHALMOPLEGIA, AUTOSOMAL DOMINANT 1. Identifiers: MedGen C1834846, MONDO:0024528, OMIM 157640.
Progressive external ophthalmoplegia with mitochondrial DNA deletions, autosomal recessive 1 (PEOB1). Also called: Progressive external ophthalmoplegia, autosomal recessive 1; Autosomal Recessive Progressive External Ophthalmoplegia (arPEO). Identifiers: Orphanet 254886, MedGen C4225153, MONDO:0009783, OMIM 258450.
POLG-related disorder. Also called: POLG-Related Spectrum Disorders; POLG-related condition; POLG-Related Disorders. Identifiers: MedGen C4763519.

Allele frequency attached by ClinVar (database versions not stated): gnomAD exomes below 0.00001 and 0.00001.
gnomAD v4.1: 3 of 1,612,712 alleles (0.00019%); highest among the groups gnomAD compares: Non-Finnish European, 0.00025%; no homozygotes.

Submissions (5):

Myriad Genetics, Inc.
Classification: Likely pathogenic for POLG-related disorder. Last evaluated: 2026-07-13. Review status: criteria provided, single submitter. Criteria: Myriad Autosomal Dominant, Autosomal Recessive and X-Linked Classification Criteria (2023). Collection method: clinical testing. Allele origin: unknown.
Comment: NM_002693.2(POLG):c.3482+2T>C is a variant in a canonical splice site classified as likely pathogenic in the context of POLG-related disorders. c.3482+2T>C has been observed in a case with relevant disease (PMID: 15689359). Relevant functional assessments of this variant are not available in the literature. c.3482+2T>C has been observed in referenced population frequency databases. In summary, NM_002693.2(POLG):c.3482+2T>C is a variant in a canonical splice site in a gene where loss of function is a known mechanism of disease, is predicted to disrupt protein function, and has been observed more frequently in cases with the relevant disease than in healthy populations. Please note: this variant was assessed in the context of healthy population screening.

Fulgent Genetics
Classification: Likely pathogenic for Progressive external ophthalmoplegia with mitochondrial DNA deletions, autosomal dominant 1; Progressive sclerosing poliodystrophy; Progressive external ophthalmoplegia with mitochondrial DNA deletions, autosomal recessive 1; Sensory ataxic neuropathy, dysarthria, and ophthalmoparesis; Mitochondrial DNA depletion syndrome 4b. Last evaluated: 2024-05-18. Review status: criteria provided, single submitter. Criteria: ACMG Guidelines, 2015. Collection method: clinical testing. Allele origin: germline.

Baylor Genetics
Classification: Pathogenic for Progressive sclerosing poliodystrophy. Last evaluated: 2023-06-15. Review status: criteria provided, single submitter. Criteria: ACMG Guidelines, 2015. Collection method: clinical testing. Allele origin: unknown.

Labcorp Genetics (formerly Invitae), Labcorp
Classification: Pathogenic for Progressive sclerosing poliodystrophy. Last evaluated: 2023-06-14. Review status: criteria provided, single submitter. Criteria: Invitae Variant Classification Sherloc (09022015). Collection method: clinical testing. Allele origin: germline.
Comment: Disruption of this splice site has been observed in individual(s) with autosomal recessive Alpers syndrome (PMID: 15689359). In at least one individual the data is consistent with being in trans (on the opposite chromosome) from a pathogenic variant. ClinVar contains an entry for this variant (Variation ID: 1453904). Algorithms developed to predict the effect of sequence changes on RNA splicing suggest that this variant may disrupt the consensus splice site. For these reasons, this variant has been classified as Pathogenic. The frequency data for this variant in the population databases is considered unreliable, as metrics indicate poor data quality at this position in the gnomAD database. This sequence change affects a donor splice site in intron 21 of the POLG gene. It is expected to disrupt RNA splicing. Variants that disrupt the donor or acceptor splice site typically lead to a loss of protein function (PMID: 16199547), and loss-of-function variants in POLG are known to be pathogenic (PMID: 18546365).

MGZ Medical Genetics Center
Classification: Likely pathogenic for Progressive sclerosing poliodystrophy. Last evaluated: 2022-04-05. Review status: criteria provided, single submitter. Criteria: ACMG Guidelines, 2015. Collection method: clinical testing. Allele origin: germline. Affected: yes. Observed: 1 variant allele.
Comment: ACMG criteria applied: PVS1, PM2_SUP

Literature cited by the submitters: PubMed 15689359 (cited by Myriad Genetics, Inc. and Labcorp Genetics (formerly Invitae), Labcorp); PubMed 16199547 (cited by Labcorp Genetics (formerly Invitae), Labcorp); PubMed 18546365 (cited by Labcorp Genetics (formerly Invitae), Labcorp).